The following is an entry in ClinVar:

NM_000702.4(ATP1A2):c.916G>A (p.Val306Met)

Gene: ATP1A2 (ATPase Na+/K+ transporting subunit alpha 2; plus strand). Cytogenetic location: 1q23.2.
Variant type: single nucleotide variant.
Coding change: c.916G>A on transcript NM_000702.4 (MANE Select); coding-DNA position 916, G replaced by A.
Protein change: p.Val306Met; replaces valine 306 with methionine.
Molecular consequence: missense variant.
Genome position (GRCh38, 1-based): chr1:160,127,719, G>A. VCF-style: chr1-160127719-G-A. GRCh37 (hg19) VCF-style: chr1-160097509-G-A.
Other names: short protein forms V306M.
Identifiers: ClinVar variation 847532 (VCV000847532.11), dbSNP rs748881406, ClinGen allele CA1194307.

ClinVar aggregate classification (germline): Uncertain significance. Review status: criteria provided, multiple submitters, no conflicts (2 of 4 stars). 2 submissions from 2 submitters: Uncertain significance (2). Last evaluated 2024-08-07.

Conditions:
Inborn genetic diseases. Identifiers: MedGen C0950123, MeSH D030342.
Familial hemiplegic migraine. Identifiers: MedGen C0338484, MONDO:0000700.

Allele frequency attached by ClinVar (database versions not stated): ExAC 0.00001; gnomAD exomes 0.00001.
gnomAD v4.1: 8 of 1,614,170 alleles (0.0005%); highest among the groups gnomAD compares: Non-Finnish European, 0.00068%; no homozygotes.

Submissions (2):

Labcorp Genetics (formerly Invitae), Labcorp
Classification: Uncertain significance for Familial hemiplegic migraine. Last evaluated: 2024-08-07. Review status: criteria provided, single submitter. Criteria: Invitae Variant Classification Sherloc (09022015). Collection method: clinical testing. Allele origin: germline.
Comment: This sequence change replaces valine, which is neutral and non-polar, with methionine, which is neutral and non-polar, at codon 306 of the ATP1A2 protein (p.Val306Met). This variant is present in population databases (rs748881406, gnomAD 0.002%). This missense change has been observed in individual(s) with autism (PMID: 35982159). ClinVar contains an entry for this variant (Variation ID: 847532). Advanced modeling of protein sequence and biophysical properties (such as structural, functional, and spatial information, amino acid conservation, physicochemical variation, residue mobility, and thermodynamic stability) performed at Invitae indicates that this missense variant is not expected to disrupt ATP1A2 protein function with a negative predictive value of 80%. In summary, the available evidence is currently insufficient to determine the role of this variant in disease. Therefore, it has been classified as a Variant of Uncertain Significance.

Ambry Genetics
Classification: Uncertain significance for Inborn genetic diseases. Last evaluated: 2018-09-29. Review status: criteria provided, single submitter. Criteria: Ambry Variant Classification Scheme 2023. Collection method: clinical testing. Allele origin: germline.
Comment: The p.V306M variant (also known as c.916G>A), located in coding exon 8 of the ATP1A2 gene, results from a G to A substitution at nucleotide position 916. The valine at codon 306 is replaced by methionine, an amino acid with highly similar properties. This amino acid position is not well conserved in available vertebrate species. In addition, the in silico prediction for this alteration is inconclusive. Since supporting evidence is limited at this time, the clinical significance of this alteration remains unclear.

Literature cited by the submitters: PubMed 35982159 (cited by Labcorp Genetics (formerly Invitae), Labcorp).